The following is an entry in ClinVar:

ClinVar aggregate classification (germline): Uncertain significance (1 of 4 stars; one submission).

Conditions:
Nemaline myopathy 2 (NEM2). Also called: Nemaline myopathy 2, autosomal recessive. Identifiers: MedGen C1850569, MONDO:0009725, OMIM 256030.

Submission:

Labcorp Genetics (formerly Invitae), Labcorp
Classification: Uncertain significance for Nemaline myopathy 2. Last evaluated: 2021-08-27. Review status: criteria provided, single submitter. Criteria: Invitae Variant Classification Sherloc (09022015). Collection method: clinical testing. Allele origin: germline.
Comment: This sequence change replaces lysine with asparagine at codon 7426 of the NEB protein (p.Lys7426Asn). The lysine residue is moderately conserved and there is a moderate physicochemical difference between lysine and asparagine. This variant is not present in population databases (ExAC no frequency). This variant has not been reported in the literature in individuals affected with NEB-related conditions. Algorithms developed to predict the effect of missense changes on protein structure and function are either unavailable or do not agree on the potential impact of this missense change (SIFT: "Deleterious"; PolyPhen-2: "Not Available"; Align-GVGD: "Class C0"). In summary, the available evidence is currently insufficient to determine the role of this variant in disease. Therefore, it has been classified as a Variant of Uncertain Significance.

NM_001164508.2(NEB):c.22173A>T (p.Lys7391Asn)

Genes: NEB (nebulin; minus strand), RIF1 (replication timing regulatory factor 1; plus strand). Cytogenetic location: 2q23.3.
Variant type: single nucleotide variant.
Coding change: c.22173A>T on transcript NM_001164508.2 (MANE Select); coding-DNA position 22173, A replaced by T.
Protein change: p.Lys7391Asn; replaces lysine 7391 with asparagine.
Molecular consequence: missense variant.
Genome position (GRCh38, 1-based): chr2:151,525,262, T>A on the plus strand (A>T on the coding strand, the complement: NEB is on the minus strand). VCF-style: chr2-151525262-T-A. GRCh37 (hg19) VCF-style: chr2-152381776-T-A.
Other names: c.22173A>T, p.Lys7391Asn (NM_001164507.2); c.22278A>T, p.Lys7426Asn (NM_001271208.2); c.17070A>T, p.Lys5690Asn (NM_004543.5); short protein forms K5690N, K7426N, K7391N.
Identifiers: ClinVar variation 834459 (VCV000834459.7), dbSNP rs2085025144, ClinGen allele CA348765808.